The following is an entry in ClinVar:

NM_194248.3(OTOF):c.337T>C (p.Cys113Arg)

Gene: OTOF (otoferlin; minus strand). Cytogenetic location: 2p23.3.
Variant type: single nucleotide variant.
Coding change: c.337T>C on transcript NM_194248.3 (MANE Select); coding-DNA position 337, T replaced by C.
Protein change: p.Cys113Arg; replaces cysteine 113 with arginine.
Molecular consequence: missense variant.
Genome position (GRCh38, 1-based): chr2:26,516,590, A>G on the plus strand (T>C on the coding strand, the complement: OTOF is on the minus strand). VCF-style: chr2-26516590-A-G. GRCh37 (hg19) VCF-style: chr2-26739458-A-G.
Other names: c.337T>C, p.Cys113Arg (NM_001287489.2); short protein forms C113R.
Identifiers: ClinVar variation 164878 (VCV000164878.13), dbSNP rs146615166, ClinGen allele CA177569.

ClinVar aggregate classification (germline): Conflicting classifications of pathogenicity. Review status: criteria provided, conflicting classifications (1 of 4 stars). 4 submissions from 4 submitters: Uncertain significance (3); Likely benign (1). Last evaluated 2026-01-12.

Conditions:
Inborn genetic diseases. Identifiers: MedGen C0950123, MeSH D030342.

Allele frequency attached by ClinVar (database versions not stated): ExAC 0.00002; TOPMed 0.00005; gnomAD exomes 0.00007; gnomAD 0.00009; ESP Exome Variant Server 0.00015.
gnomAD v4.1: 81 of 1,605,962 alleles (0.005%); highest among the groups gnomAD compares: Admixed American, 0.01%; no homozygotes.

Submissions (4):

Labcorp Genetics (formerly Invitae), Labcorp
Classification: Likely benign. Last evaluated: 2026-01-12. Review status: criteria provided, single submitter. Criteria: Invitae Variant Classification Sherloc (09022015). Collection method: clinical testing. Allele origin: germline.

Ambry Genetics
Classification: Uncertain significance for Inborn genetic diseases. Last evaluated: 2025-04-20. Review status: criteria provided, single submitter. Criteria: Ambry Variant Classification Scheme 2023. Collection method: clinical testing. Allele origin: germline.

Blueprint Genetics
Classification: Uncertain significance. Last evaluated: 2024-11-26. Review status: criteria provided, single submitter. Criteria: ACMG Guidelines, 2015. Collection method: clinical testing. Allele origin: germline.

Laboratory for Molecular Medicine, Mass General Brigham Personalized Medicine
Classification: Uncertain significance. Last evaluated: 2014-05-16. Review status: criteria provided, single submitter. Criteria: LMM Criteria. Collection method: clinical testing. Allele origin: germline. Observed: 1 variant allele.
Comment: Variant classified as Uncertain Significance - Favor Benign. The Cys113Arg varia nt in OTOF has not been reported in individuals with hearing loss, but has been identified in 0.02% (2/8600) of European American chromosomes by the NHLBI Exome Sequencing Project (dbSNP rs146615166). The amino acid (Cys) at position 113 is not conserved in mammals or evolutionary dis tant species, raising the possibility that a change at this position may be tole rated. Additional computational prediction tools suggest that the Cys113Arg vari ant may not impact the protein, though this information is not predictive enough to rule out pathogenicity. In summary, while the clinical significance of the C ys113Arg variant is uncertain, the conservation data suggest that it is more lik ely to be benign.